The following is an entry in ClinVar:

NM_005051.3(QARS1):c.979T>C (p.Tyr327His)

Gene: QARS1 (glutaminyl-tRNA synthetase 1; minus strand). Cytogenetic location: 3p21.31.
Variant type: single nucleotide variant.
Coding change: c.979T>C on transcript NM_005051.3 (MANE Select); coding-DNA position 979, T replaced by C.
Protein change: p.Tyr327His; replaces tyrosine 327 with histidine.
Molecular consequence: missense variant. On other transcripts: non-coding transcript variant (1).
Genome position (GRCh38, 1-based): chr3:49,100,456, A>G on the plus strand (T>C on the coding strand, the complement: QARS1 is on the minus strand). VCF-style: chr3-49100456-A-G. GRCh37 (hg19) VCF-style: chr3-49137889-A-G.
Other names: c.946T>C, p.Tyr316His (NM_001272073.2); short protein forms Y316H, Y327H.
Identifiers: ClinVar variation 1486645 (VCV001486645.8), dbSNP rs1435075957, ClinGen allele CA352711473.

ClinVar aggregate classification (germline): Uncertain significance (1 of 4 stars; one submission).

Conditions:
Diffuse cerebral and cerebellar atrophy - intractable seizures - progressive microcephaly syndrome. Also called: Microcephaly, progressive, with seizures and cerebral and cerebellar atrophy. Identifiers: Orphanet 404437, MedGen C4014239, MONDO:0014335, OMIM 615760.

Allele frequency attached by ClinVar (database versions not stated): gnomAD exomes below 0.00001.
gnomAD v4.1: 5 of 1,614,194 alleles (0.00031%); highest among the groups gnomAD compares: South Asian, 0.0055%; no homozygotes.

Submission:

Labcorp Genetics (formerly Invitae), Labcorp
Classification: Uncertain significance for Diffuse cerebral and cerebellar atrophy - intractable seizures - progressive microcephaly syndrome. Last evaluated: 2022-01-13. Review status: criteria provided, single submitter. Criteria: Invitae Variant Classification Sherloc (09022015). Collection method: clinical testing. Allele origin: germline.
Comment: In summary, the available evidence is currently insufficient to determine the role of this variant in disease. Therefore, it has been classified as a Variant of Uncertain Significance. Algorithms developed to predict the effect of missense changes on protein structure and function (SIFT, PolyPhen-2, Align-GVGD) all suggest that this variant is likely to be disruptive. This variant has not been reported in the literature in individuals affected with QARS-related conditions. This variant is present in population databases (no rsID available, gnomAD 0.003%). This sequence change replaces tyrosine, which is neutral and polar, with histidine, which is basic and polar, at codon 327 of the QARS protein (p.Tyr327His).